The following is an entry in ClinVar:

ClinVar aggregate classification (germline): Uncertain significance. Review status: criteria provided, multiple submitters, no conflicts (2 of 4 stars). 2 submissions from 2 submitters: Uncertain significance (2). Last evaluated 2021-09-01.

Conditions:
Mevalonic aciduria (MEVA). Identifiers: Orphanet 29, MedGen C1959626, MONDO:0012481, OMIM 610377.
Hyperimmunoglobulin D with periodic fever (HIDS). Also called: HYPERIMMUNOGLOBULINEMIA D AND PERIODIC FEVER SYNDROME; Hyperimmunoglobulinemia D; Hyperimmunoglobulinemia D with periodic fever. Identifiers: Orphanet 343, MedGen C0398691, MONDO:0009849, OMIM 260920.
Porokeratosis 3, disseminated superficial actinic type (POROK3). Also called: POROKERATOSIS, DISSEMINATED SUPERFICIAL ACTINIC, 1; POROKERATOSIS 3, MULTIPLE TYPES; POROKERATOSIS 3, MIBELLI TYPE. Identifiers: MedGen C1867981, MONDO:0008293, OMIM 175900.

Allele frequency attached by ClinVar (database versions not stated): gnomAD 0.00001; gnomAD exomes 0.00001 and 0.00002; ExAC 0.00002; TOPMed 0.00002; ESP Exome Variant Server 0.00015.

Submissions (2):

Labcorp Genetics (formerly Invitae), Labcorp
Classification: Uncertain significance for Mevalonic aciduria; Hyperimmunoglobulin D with periodic fever; Porokeratosis 3, disseminated superficial actinic type. Last evaluated: 2021-09-01. Review status: criteria provided, single submitter. Criteria: Invitae Variant Classification Sherloc (09022015). Collection method: clinical testing. Allele origin: germline.
Comment: This sequence change replaces isoleucine with valine at codon 56 of the MVK protein (p.Ile56Val). The isoleucine residue is moderately conserved and there is a small physicochemical difference between isoleucine and valine. This variant is present in population databases (rs149095003, ExAC 0.003%). This missense change has been observed in individual(s) with recurrent fever episodes (PMID: 26386126). Algorithms developed to predict the effect of missense changes on protein structure and function (SIFT, PolyPhen-2, Align-GVGD) all suggest that this variant is likely to be tolerated. In summary, the available evidence is currently insufficient to determine the role of this variant in disease. Therefore, it has been classified as a Variant of Uncertain Significance.

Blueprint Genetics
Classification: Uncertain significance. Last evaluated: 2019-10-31. Review status: criteria provided, single submitter. Criteria: ACMG Guidelines, 2015. Collection method: clinical testing. Allele origin: germline.

Literature cited by the submitters: PubMed 26386126 (cited by Labcorp Genetics (formerly Invitae), Labcorp).

NM_000431.4(MVK):c.166A>G (p.Ile56Val)

Gene: MVK (mevalonate kinase; plus strand). Cytogenetic location: 12q24.11.
Variant type: single nucleotide variant.
Coding change: c.166A>G on transcript NM_000431.4 (MANE Select); coding-DNA position 166, A replaced by G.
Protein change: p.Ile56Val; replaces isoleucine 56 with valine.
Molecular consequence: missense variant.
Genome position (GRCh38, 1-based): chr12:109,576,085, A>G. VCF-style: chr12-109576085-A-G. GRCh37 (hg19) VCF-style: chr12-110013890-A-G.
Other names: c.166A>G, p.Ile56Val (NM_001114185.3, NM_001301182.2); short protein forms I56V.
Identifiers: ClinVar variation 664958 (VCV000664958.7), dbSNP rs149095003, ClinGen allele CA6779160.